The following is an entry in ClinVar:

ClinVar aggregate classification (germline): Uncertain significance (1 of 4 stars; one submission).

Conditions:
Hereditary nonpolyposis colorectal neoplasms. Identifiers: MedGen C0009405, MeSH D003123.

Submission:

Labcorp Genetics (formerly Invitae), Labcorp
Classification: Uncertain significance for Hereditary nonpolyposis colorectal neoplasms. Last evaluated: 2025-07-07. Review status: criteria provided, single submitter. Criteria: Invitae Variant Classification Sherloc (09022015). Collection method: clinical testing. Allele origin: germline.
Comment: This sequence change replaces valine, which is neutral and non-polar, with leucine, which is neutral and non-polar, at codon 878 of the MSH6 protein (p.Val878Leu). This variant is not present in population databases (gnomAD no frequency). This variant has not been reported in the literature in individuals affected with MSH6-related conditions. ClinVar contains an entry for this variant (Variation ID: 938586). Invitae Evidence Modeling of protein sequence and biophysical properties (such as structural, functional, and spatial information, amino acid conservation, physicochemical variation, residue mobility, and thermodynamic stability) indicates that this missense variant is not expected to disrupt MSH6 protein function with a negative predictive value of 95%. In summary, the available evidence is currently insufficient to determine the role of this variant in disease. Therefore, it has been classified as a Variant of Uncertain Significance.

NM_000179.3(MSH6):c.2632G>C (p.Val878Leu)

Gene: MSH6 (mutS homolog 6; plus strand). Cytogenetic location: 2p16.3.
Variant type: single nucleotide variant.
Coding change: c.2632G>C on transcript NM_000179.3 (MANE Select); coding-DNA position 2632, G replaced by C.
Protein change: p.Val878Leu; replaces valine 878 with leucine.
Molecular consequence: missense variant.
Genome position (GRCh38, 1-based): chr2:47,800,615, G>C. VCF-style: chr2-47800615-G-C. GRCh37 (hg19) VCF-style: chr2-48027754-G-C.
Other names: c.2242G>C, p.Val748Leu (NM_001281492.2); c.1726G>C, p.Val576Leu (NM_001281493.2, NM_001281494.2); short protein forms V748L, V576L, V878L.
Identifiers: ClinVar variation 938586 (VCV000938586.10), dbSNP rs1669490068, ClinGen allele CA346755079.